The following is an entry in ClinVar:

NM_033118.4(MYLK2):c.16G>A (p.Gly6Arg)

Gene: MYLK2 (myosin light chain kinase 2; plus strand). Cytogenetic location: 20q11.21.
Variant type: single nucleotide variant.
Coding change: c.16G>A on transcript NM_033118.4 (MANE Select); coding-DNA position 16, G replaced by A.
Protein change: p.Gly6Arg; replaces glycine 6 with arginine.
Molecular consequence: missense variant.
Genome position (GRCh38, 1-based): chr20:31,819,596, G>A. VCF-style: chr20-31819596-G-A. GRCh37 (hg19) VCF-style: chr20-30407399-G-A.
Other names: short protein forms G6R.
Identifiers: ClinVar variation 164492 (VCV000164492.4), dbSNP rs727503302, ClinGen allele CA177177.
Genomic context (GRCh38, chr20:31,819,596, plus strand): 5'-GAAAGACTTGAGTTAGACAAGCAGCAGCACACGCCTCCCTACCTCATGGCGACAGAAAAT[G>A]GAGCAGTTGAGCTGGGAATTCAGAACCCATCAACAGGTGCCAAGCTGGGGCAGGAGATGG-3'
Protein context (NP_149109.1, residues 1-16): MATEN[Gly6Arg]AVELGIQNPS

ClinVar aggregate classification (germline): Uncertain significance (1 of 4 stars; one submission).

Allele frequency attached by ClinVar (database versions not stated): gnomAD exomes below 0.00001.
gnomAD v4.1: 3 of 1,551,598 alleles (0.00019%); highest among the groups gnomAD compares: Non-Finnish European, 0.00026%; no homozygotes.

Submission:

Laboratory for Molecular Medicine, Mass General Brigham Personalized Medicine
Classification: Uncertain significance. Last evaluated: 2014-05-28. Review status: criteria provided, single submitter. Criteria: LMM Criteria. Collection method: clinical testing. Allele origin: germline. Observed: 1 variant allele.
Comment: The Gly6Arg variant in MYLK2 has not been previously reported in individuals wit h cardiomyopathy and was absent from large population studies. Computational pre diction tools and conservation analyses do not provide strong support for or aga inst an impact to the protein. In summary, the clinical significance of the Gly6 Arg variant is uncertain.